The following is an entry in ClinVar:

ClinVar aggregate classification (germline): Conflicting classifications of pathogenicity. Review status: criteria provided, conflicting classifications (1 of 4 stars). 3 submissions from 3 submitters: Uncertain significance (1); Likely benign (2). Last evaluated 2026-01-04.

Conditions:
Inborn genetic diseases. Identifiers: MedGen C0950123, MeSH D030342.

Allele frequency attached by ClinVar (database versions not stated): ExAC 0.00002; gnomAD 0.00004; TOPMed 0.00005; gnomAD exomes 0.00002.
gnomAD v4.1: 42 of 1,610,220 alleles (0.0026%); highest among the groups gnomAD compares: Non-Finnish European, 0.0033%; no homozygotes.

Submissions (3):

Labcorp Genetics (formerly Invitae), Labcorp
Classification: Uncertain significance. Last evaluated: 2026-01-04. Review status: criteria provided, single submitter. Criteria: Invitae Variant Classification Sherloc (09022015). Collection method: clinical testing. Allele origin: germline.
Comment: This sequence change replaces isoleucine, which is neutral and non-polar, with valine, which is neutral and non-polar, at codon 213 of the SEC61A1 protein (p.Ile213Val). This variant is present in population databases (rs775662884, gnomAD 0.006%). This variant has not been reported in the literature in individuals affected with SEC61A1-related conditions. ClinVar contains an entry for this variant (Variation ID: 1360517). Invitae Evidence Modeling of protein sequence and biophysical properties (such as structural, functional, and spatial information, amino acid conservation, physicochemical variation, residue mobility, and thermodynamic stability) indicates that this missense variant is not expected to disrupt SEC61A1 protein function with a negative predictive value of 80%. In summary, the available evidence is currently insufficient to determine the role of this variant in disease. Therefore, it has been classified as a Variant of Uncertain Significance.

Ambry Genetics
Classification: Likely benign for Inborn genetic diseases. Last evaluated: 2025-07-15. Review status: criteria provided, single submitter. Criteria: Ambry Variant Classification Scheme 2023. Collection method: clinical testing. Allele origin: germline.

Blueprint Genetics
Classification: Likely benign. Last evaluated: 2022-06-29. Review status: criteria provided, single submitter. Criteria: ACMG Guidelines, 2015. Collection method: clinical testing. Allele origin: germline.

NM_013336.4(SEC61A1):c.637A>G (p.Ile213Val)

Genes: RUVBL1 (RuvB like AAA ATPase 1; minus strand), SEC61A1 (SEC61 translocon subunit alpha 1; plus strand). Cytogenetic location: 3q21.3.
Variant type: single nucleotide variant.
Coding change: c.637A>G on transcript NM_013336.4 (MANE Select); coding-DNA position 637, A replaced by G.
Protein change: p.Ile213Val; replaces isoleucine 213 with valine.
Molecular consequence: missense variant. On other transcripts: 3 prime UTR variant (1).
Genome position (GRCh38, 1-based): chr3:128,064,897, A>G. VCF-style: chr3-128064897-A-G. GRCh37 (hg19) VCF-style: chr3-127783740-A-G.
Other names: c.655A>G, p.Ile219Val (NM_001400328.1); c.478A>G, p.Ile160Val (NM_001400329.1); c.*315T>C (NM_001319086.1); short protein forms I213V, I160V, I219V.
Identifiers: ClinVar variation 1360517 (VCV001360517.8), dbSNP rs775662884, ClinGen allele CA2598457.